The following is an entry in ClinVar:

ClinVar aggregate classification (germline): Uncertain significance (0 of 4 stars; one submission).

Allele frequency attached by ClinVar (database versions not stated): gnomAD exomes 0.00001; ExAC 0.00003.
gnomAD v4.1: 2 of 1,600,964 alleles (0.00012%); highest among the groups gnomAD compares: Non-Finnish European, 0.00017%; no homozygotes.

Submission:

Martin Pollak Laboratory,  Beth Israel Deaconess Medical Center
Classification: Uncertain significance. Review status: no assertion criteria provided. Collection method: not provided. Allele origin: unknown.
Comment: Higher UCa2+ group
ClinVar note: Converted during submission from unknown to Uncertain significance.

NM_000338.3(SLC12A1):c.386C>T (p.Pro129Leu)

Gene: SLC12A1 (solute carrier family 12 member 1; plus strand). Cytogenetic location: 15q21.1.
Variant type: single nucleotide variant.
Coding change: c.386C>T on transcript NM_000338.3 (MANE Select); coding-DNA position 386, C replaced by T.
Protein change: p.Pro129Leu; replaces proline 129 with leucine.
Molecular consequence: missense variant.
Genome position (GRCh38, 1-based): chr15:48,208,105, C>T. VCF-style: chr15-48208105-C-T. GRCh37 (hg19) VCF-style: chr15-48500302-C-T.
Other names: c.386C>T, p.Pro129Leu (NM_001184832.2); short protein forms P129L.
Identifiers: ClinVar variation 64410 (VCV000064410.2), dbSNP rs387907468, ClinGen allele CA216082.